The following is an entry in ClinVar:

NM_000304.4(PMP22):c.320-4C>T

Gene: PMP22 (peripheral myelin protein 22; minus strand). Cytogenetic location: 17p12.
Variant type: single nucleotide variant.
Coding change: c.320-4C>T on transcript NM_000304.4 (MANE Select); 4 bases into the intron before coding-DNA position 320, C replaced by T.
Molecular consequence: intron variant.
Genome position (GRCh38, 1-based): chr17:15,231,084, G>A on the plus strand (C>T on the coding strand, the complement: PMP22 is on the minus strand). VCF-style: chr17-15231084-G-A. GRCh37 (hg19) VCF-style: chr17-15134401-G-A.
Other names: c.320-4C>T (NM_001281456.2, NM_153321.3, NM_001281455.2 and 1 more transcripts).
Identifiers: ClinVar variation 383080 (VCV000383080.61), dbSNP rs377467465, ClinGen allele CA8403322.

ClinVar aggregate classification (germline): Conflicting classifications of pathogenicity. Review status: criteria provided, conflicting classifications (1 of 4 stars). 8 submissions from 8 submitters: Uncertain significance (1); Likely benign (7). Last evaluated 2025-05-14.

Conditions:
PMP22-related disorder. Also called: PMP22-related disorders; PMP22-related condition.
Charcot-Marie-Tooth disease, type I (CMT1). Also called: Charcot-Marie-Tooth disease type 1; Charcot-Marie-Tooth, Type 1. Identifiers: Orphanet 65753, MedGen C0751036, MONDO:0019011.
Inborn genetic diseases. Identifiers: MedGen C0950123, MeSH D030342.
Charcot-Marie-Tooth disease. Also called: Charcot-Marie-Tooth Hereditary Neuropathy; Charcot-Marie-Tooth Neuropathy. Identifiers: Orphanet 166, MedGen C0007959, MONDO:0015626.

Allele frequency attached by ClinVar (database versions not stated): TOPMed 0.00014; gnomAD 0.00022 and 0.00024; gnomAD exomes 0.00023 and 0.00032; ESP Exome Variant Server 0.00038; ExAC 0.00040.
gnomAD v4.1: 367 of 1,613,198 alleles (0.023%); highest among the groups gnomAD compares: Non-Finnish European, 0.025%; 1 homozygote.

Submissions (8):

PreventionGenetics, part of Exact Sciences
Classification: Likely benign for PMP22-related condition. Last evaluated: 2025-05-14. Review status: criteria provided, single submitter. Criteria: ACMG Guidelines, 2015. Collection method: clinical testing. Allele origin: germline.
Comment: This variant is classified as likely benign based on ACMG/AMP sequence variant interpretation guidelines (Richards et al. 2015 PMID: 25741868, with internal and published modifications).

Labcorp Genetics (formerly Invitae), Labcorp
Classification: Likely benign for Charcot-Marie-Tooth disease, type I. Last evaluated: 2025-03-26. Review status: criteria provided, single submitter. Criteria: Invitae Variant Classification Sherloc (09022015). Collection method: clinical testing. Allele origin: germline.

Blueprint Genetics
Classification: Likely benign. Last evaluated: 2024-04-03. Review status: criteria provided, single submitter. Criteria: ACMG Guidelines, 2015. Collection method: clinical testing. Allele origin: germline.

GeneDx
Classification: Likely benign. Last evaluated: 2020-12-15. Review status: criteria provided, single submitter. Criteria: GeneDx Variant Classification Process June 2021. Collection method: clinical testing. Allele origin: germline. Affected: yes.

Ambry Genetics
Classification: Likely benign for Inborn genetic diseases. Last evaluated: 2020-08-10. Review status: criteria provided, single submitter. Criteria: Ambry Variant Classification Scheme 2023. Collection method: clinical testing. Allele origin: germline.

Eurofins Ntd Llc (ga)
Classification: Uncertain significance. Last evaluated: 2016-12-16. Review status: criteria provided, single submitter. Criteria: EGL Classification Definitions 2015. Collection method: clinical testing. Allele origin: germline. Observed: 1 variant allele, 1 heterozygote.

CeGaT Center for Human Genetics Tuebingen
Classification: Likely benign. Last evaluated: 2016-10-01. Review status: criteria provided, single submitter. Criteria: CeGaT Center For Human Genetics Tuebingen Variant Classification Criteria Version 2. Collection method: clinical testing. Allele origin: germline. Affected: yes. Observed: 1 variant allele.

Molecular Genetics Laboratory, London Health Sciences Centre
Classification: Likely benign for Charcot-Marie-Tooth disease. Review status: criteria provided, single submitter. Criteria: ACMG Guidelines, 2015. Collection method: clinical testing. Allele origin: germline. Affected: yes.